The following is an entry in ClinVar:

ClinVar aggregate classification (germline): Uncertain significance. Review status: criteria provided, multiple submitters, no conflicts (2 of 4 stars). 2 submissions from 2 submitters: Uncertain significance (2). Last evaluated 2025-03-31.

Conditions:
Inborn genetic diseases. Identifiers: MedGen C0950123, MeSH D030342.

Allele frequency attached by ClinVar (database versions not stated): gnomAD 0.00001; gnomAD exomes 0.00001; TOPMed 0.00001; ExAC 0.00002.
gnomAD v4.1: 14 of 1,614,056 alleles (0.00087%); highest among the groups gnomAD compares: Non-Finnish European, 0.001%; no homozygotes.

Submissions (2):

Ambry Genetics
Classification: Uncertain significance for Inborn genetic diseases. Last evaluated: 2025-03-31. Review status: criteria provided, single submitter. Criteria: Ambry Variant Classification Scheme 2023. Collection method: clinical testing. Allele origin: germline.

Labcorp Genetics (formerly Invitae), Labcorp
Classification: Uncertain significance. Last evaluated: 2020-12-25. Review status: criteria provided, single submitter. Criteria: Invitae Variant Classification Sherloc (09022015). Collection method: clinical testing. Allele origin: germline.
Comment: In summary, the available evidence is currently insufficient to determine the role of this variant in disease. Therefore, it has been classified as a Variant of Uncertain Significance. Algorithms developed to predict the effect of missense changes on protein structure and function are either unavailable or do not agree on the potential impact of this missense change (SIFT: "Deleterious"; PolyPhen-2: "Not Available"; Align-GVGD: "Class C0"). This variant has not been reported in the literature in individuals with TRPM3-related conditions. This variant is present in population databases (rs763169990, ExAC 0.004%). This sequence change replaces serine with arginine at codon 1303 of the TRPM3 protein (p.Ser1303Arg). The serine residue is moderately conserved and there is a moderate physicochemical difference between serine and arginine.

NM_001366145.2(TRPM3):c.4404C>A (p.Ser1468Arg)

Genes: KLF9-DT (KLF9 divergent transcript; plus strand), TRPM3 (transient receptor potential cation channel subfamily M member 3; minus strand). Cytogenetic location: 9q21.12.
Variant type: single nucleotide variant.
Coding change: c.4404C>A on transcript NM_001366145.2 (MANE Select); coding-DNA position 4404, C replaced by A.
Protein change: p.Ser1468Arg; replaces serine 1468 with arginine.
Molecular consequence: missense variant. On other transcripts: intron variant (8).
Genome position (GRCh38, 1-based): chr9:70,536,709, G>T on the plus strand (C>A on the coding strand, the complement: TRPM3 is on the minus strand). VCF-style: chr9-70536709-G-T. GRCh37 (hg19) VCF-style: chr9-73151625-G-T.
Other names: c.4368C>A, p.Ser1456Arg (NM_001007471.4); c.4374C>A, p.Ser1458Arg (NM_001366141.2, NM_001366149.2); c.4479C>A, p.Ser1493Arg (NM_001366147.2); c.3909C>A, p.Ser1303Arg (NM_020952.6); c.3945C>A, p.Ser1315Arg (NM_024971.7); c.3879C>A, p.Ser1293Arg (NM_206944.5); c.3915C>A, p.Ser1305Arg (NM_206945.5); c.3984C>A, p.Ser1328Arg (NM_206946.5); and 10 more; short protein forms S1303R, S1328R, S1456R, S1458R, S1293R, S1315R, S1493R, S1305R.
Identifiers: ClinVar variation 1360054 (VCV001360054.9), dbSNP rs763169990, ClinGen allele CA5077814.
Genomic context (GRCh38, chr9:70,536,709, plus strand): 5'-GTAGTCTGAAGAAAAAGATCTAGTGTCCATGGAGGTGATGTCCTCAAAATCAATGCTCCG[G>T]CTTGGAGGTCTGTCTGTGGGTGCAAGTGTTGCATAGGCACTACTTGAAGGGGCTGTGGAA-3'
Protein context (NP_001353074.1, residues 1458-1478): ATLAPTDRPP[Ser1468Arg]RSIDFEDITS